The following is an entry in ClinVar:

ClinVar aggregate classification (germline): Uncertain significance (1 of 4 stars; one submission).

Submission:

GeneDx
Classification: Uncertain significance. Last evaluated: 2026-08-13. Review status: criteria provided, single submitter. Criteria: GeneDx Variant Classification Process June 2021. Collection method: clinical testing. Allele origin: germline.
Comment: Reported as de novo in one patient with a developmental disorder from large cohort studies, but detailed clinical information was not provided (PMID: 33057194, 35982159); In-frame deletion of 1 amino acid(s) in a non-repeat region; In silico analysis supports a deleterious effect on protein structure/function; Not observed at significant frequency in large population cohorts (gnomAD); This variant is associated with the following publications: (PMID: 33057194, 35982159)

NM_001903.5(CTNNA1):c.2421TGT[1] (p.Val809del)

Gene: CTNNA1 (catenin alpha 1; plus strand). Cytogenetic location: 5q31.2.
Variant type: Microsatellite.
Coding change: c.2421TGT[1] on transcript NM_001903.5 (MANE Select); one copy of the 3-base unit TGT starting at c.2421; the reference has two copies in a row; one copy, 3 bases deleted.
Protein change: p.Val809del; deletes valine 809.
Molecular consequence: intron variant (on NM_001324001.1).
Genome position (GRCh38, 1-based): chr5:138,932,703-138,932,705, TGT deleted; deleting any 3 consecutive bases within chr5:138,932,699-138,932,705 gives the same sequence; the position shown is the placement nearest the transcript's 3' end. VCF-style (leftmost placement, unchanged base first): chr5-138932698-CTTG-C. GRCh37 (hg19) VCF-style: chr5-138268387-CTTG-C.
Other names: c.2421TGT[1], p.Val809del (NM_001290307.3, NM_001323982.2, NM_001323983.1 and 2 more transcripts); c.2112TGT[1], p.Val706del (NM_001290309.3); c.2052TGT[1], p.Val686del (NM_001290310.3); c.1311TGT[1], p.Val439del (NM_001290312.1, NM_001323987.1, NM_001323988.1 and 16 more transcripts); c.2328TGT[1], p.Val778del (NM_001323986.2); c.972TGT[1], p.Val326del (NM_001324006.1, NM_001324007.1, NM_001324008.1 and 2 more transcripts); c.1218TGT[1], p.Val408del (NM_001324011.1); c.1068TGT[1], p.Val358del (NM_001324012.1, NM_001324013.1); and 1 more; short protein forms V326del, V358del, V408del, V439del, V686del, V706del, V778del, V809del.
Identifiers: ClinVar variation 4530832 (VCV004530832.2).